The following is an entry in ClinVar:

ClinVar aggregate classification (germline): Uncertain significance (1 of 4 stars; one submission).

gnomAD v4.1: 6 of 1,614,028 alleles (0.00037%); highest among the groups gnomAD compares: East Asian, 0.0045%; no homozygotes.

Submission:

Labcorp Genetics (formerly Invitae), Labcorp
Classification: Uncertain significance. Last evaluated: 2026-02-01. Review status: criteria provided, single submitter. Criteria: Invitae Variant Classification Sherloc (09022015). Collection method: clinical testing. Allele origin: germline.
Comment: This sequence change replaces aspartic acid, which is acidic and polar, with asparagine, which is neutral and polar, at codon 368 of the KRT3 protein (p.Asp368Asn). This variant is present in population databases (rs200059777, gnomAD 0.003%). This variant has not been reported in the literature in individuals affected with KRT3-related conditions. Invitae Evidence Modeling of protein sequence and biophysical properties (such as structural, functional, and spatial information, amino acid conservation, physicochemical variation, residue mobility, and thermodynamic stability) indicates that this missense variant is not expected to disrupt KRT3 protein function with a negative predictive value of 80%. In summary, the available evidence is currently insufficient to determine the role of this variant in disease. Therefore, it has been classified as a Variant of Uncertain Significance.

NM_057088.3(KRT3):c.1102G>A (p.Asp368Asn)

Gene: KRT3 (keratin 3; minus strand). Cytogenetic location: 12q13.13.
Variant type: single nucleotide variant.
Coding change: c.1102G>A on transcript NM_057088.3 (MANE Select); coding-DNA position 1102, G replaced by A.
Protein change: p.Asp368Asn; replaces aspartic acid 368 with asparagine.
Molecular consequence: missense variant.
Genome position (GRCh38, 1-based): chr12:52,792,325, C>T on the plus strand (G>A on the coding strand, the complement: KRT3 is on the minus strand). VCF-style: chr12-52792325-C-T. GRCh37 (hg19) VCF-style: chr12-53186109-C-T.
Other names: short protein forms D368N.
Identifiers: ClinVar variation 4751597 (VCV004751597.1).
Genomic context (GRCh38, chr12:52,792,325, plus strand): 5'-CGGCCTTGCTTCTCTGAGCGATATCCTCATACTGTGCACGAACTTCAGCAATGATGCTGT[C>T]CAGGTCCAGGGAGCGATTATTGTCCATGGACAGCACCACAGATGTGTCACTGATGTGGCT-3'
Protein context (NP_476429.2, residues 358-378): SMDNNRSLDL[Asp368Asn]SIIAEVRAQY